The following is an entry in ClinVar:

ClinVar aggregate classification (germline): Conflicting classifications of pathogenicity. Review status: criteria provided, conflicting classifications (1 of 4 stars). 2 submissions from 2 submitters: Likely pathogenic (1); Uncertain significance (1). Last evaluated 2025-08-03.

Conditions:
Progressive sclerosing poliodystrophy (MTDPS4A). Also called: ALPERS DIFFUSE DEGENERATION OF CEREBRAL GRAY MATTER WITH HEPATIC CIRRHOSIS; Alpers-Huttenlocher Syndrome; ALPERS PROGRESSIVE INFANTILE POLIODYSTROPHY; NEURONAL DEGENERATION OF CHILDHOOD WITH LIVER DISEASE, PROGRESSIVE; Mitochondrial DNA Depletion Syndrome 4A; Alpers-Huttenlocher Syndrome (AHS). Identifiers: Orphanet 726, MedGen C0205710, MONDO:0008758, OMIM 203700.

Allele frequency attached by ClinVar (database versions not stated): gnomAD exomes below 0.00001; TOPMed below 0.00001; ExAC 0.00001; gnomAD 0.00001.
gnomAD v4.1: 5 of 1,613,872 alleles (0.00031%); highest among the groups gnomAD compares: Non-Finnish European, 0.00025%; no homozygotes.

Submissions (2):

Labcorp Genetics (formerly Invitae), Labcorp
Classification: Uncertain significance for Progressive sclerosing poliodystrophy. Last evaluated: 2025-08-03. Review status: criteria provided, single submitter. Criteria: Invitae Variant Classification Sherloc (09022015). Collection method: clinical testing. Allele origin: germline.
Comment: This sequence change replaces leucine, which is neutral and non-polar, with proline, which is neutral and non-polar, at codon 428 of the POLG protein (p.Leu428Pro). This variant is present in population databases (rs774610098, gnomAD 0.01%). This missense change has been observed in individual(s) with clinical features of autosomal recessive POLG-related conditions (PMID: 17452231, 30167885). ClinVar contains an entry for this variant (Variation ID: 206591). Invitae Evidence Modeling of protein sequence and biophysical properties (such as structural, functional, and spatial information, amino acid conservation, physicochemical variation, residue mobility, and thermodynamic stability) indicates that this missense variant is expected to disrupt POLG protein function with a positive predictive value of 95%. In summary, the available evidence is currently insufficient to determine the role of this variant in disease. Therefore, it has been classified as a Variant of Uncertain Significance.

Baylor Genetics
Classification: Likely pathogenic for Progressive sclerosing poliodystrophy. Last evaluated: 2024-03-26. Review status: criteria provided, single submitter. Criteria: ACMG Guidelines, 2015. Collection method: clinical testing. Allele origin: unknown.

Literature cited by the submitters: PubMed 17452231 (cited by Labcorp Genetics (formerly Invitae), Labcorp); PubMed 30167885 (cited by Labcorp Genetics (formerly Invitae), Labcorp).

NM_002693.3(POLG):c.1283T>C (p.Leu428Pro)

Gene: POLG (DNA polymerase gamma, catalytic subunit; minus strand). Cytogenetic location: 15q26.1.
Variant type: single nucleotide variant.
Coding change: c.1283T>C on transcript NM_002693.3 (MANE Select); coding-DNA position 1283, T replaced by C.
Protein change: p.Leu428Pro; replaces leucine 428 with proline.
Molecular consequence: missense variant.
Genome position (GRCh38, 1-based): chr15:89,327,317, A>G on the plus strand (T>C on the coding strand, the complement: POLG is on the minus strand). VCF-style: chr15-89327317-A-G. GRCh37 (hg19) VCF-style: chr15-89870548-A-G.
Other names: c.1283T>C, p.Leu428Pro (NM_001126131.2); short protein forms L428P.
Identifiers: ClinVar variation 206591 (VCV000206591.11), dbSNP rs774610098, ClinGen allele CA316824.